The following is an entry in ClinVar:

ClinVar aggregate classification (germline): Uncertain significance. Review status: criteria provided, multiple submitters, no conflicts (2 of 4 stars). 2 submissions from 2 submitters: Uncertain significance (2). Last evaluated 2026-08-24.

Conditions:
Dilated cardiomyopathy 1JJ (CMD1JJ). Identifiers: Orphanet 154, MedGen C3808935, MONDO:0014095, OMIM 615235.
Cardiovascular phenotype. Identifiers: MedGen CN230736.

Allele frequency attached by ClinVar (database versions not stated): gnomAD exomes below 0.00001; gnomAD 0.00001; TOPMed below 0.00001.
gnomAD v4.1: 4 of 1,612,628 alleles (0.00025%); highest among the groups gnomAD compares: Non-Finnish European, 0.00034%; no homozygotes.

Submissions (2):

Ambry Genetics
Classification: Uncertain significance for Cardiovascular phenotype. Last evaluated: 2026-08-24. Review status: criteria provided, single submitter. Criteria: Ambry Variant Classification Scheme 2023. Collection method: clinical testing. Allele origin: germline.
Comment: The p.F1106V variant (also known as c.3316T>G), located in coding exon 24 of the LAMA4 gene, results from a T to G substitution at nucleotide position 3316. The phenylalanine at codon 1106 is replaced by valine, an amino acid with highly similar properties. This amino acid position is conserved. In addition, the in silico prediction for this alteration is inconclusive. Based on the available evidence, the clinical significance of this variant remains unclear.

Labcorp Genetics (formerly Invitae), Labcorp
Classification: Uncertain significance for Dilated cardiomyopathy 1JJ. Last evaluated: 2021-12-21. Review status: criteria provided, single submitter. Criteria: Invitae Variant Classification Sherloc (09022015). Collection method: clinical testing. Allele origin: germline.
Comment: This sequence change replaces phenylalanine, which is neutral and non-polar, with valine, which is neutral and non-polar, at codon 1106 of the LAMA4 protein (p.Phe1106Val). In summary, the available evidence is currently insufficient to determine the role of this variant in disease. Therefore, it has been classified as a Variant of Uncertain Significance. Algorithms developed to predict the effect of missense changes on protein structure and function (SIFT, PolyPhen-2, Align-GVGD) all suggest that this variant is likely to be disruptive. ClinVar contains an entry for this variant (Variation ID: 1056198). This variant has not been reported in the literature in individuals affected with LAMA4-related conditions. This variant is not present in population databases (gnomAD no frequency).

NM_001105206.3(LAMA4):c.3337T>G (p.Phe1113Val)

Gene: LAMA4 (laminin subunit alpha 4; minus strand). Cytogenetic location: 6q21.
Variant type: single nucleotide variant.
Coding change: c.3337T>G on transcript NM_001105206.3 (MANE Select); coding-DNA position 3337, T replaced by G.
Protein change: p.Phe1113Val; replaces phenylalanine 1113 with valine.
Molecular consequence: missense variant.
Genome position (GRCh38, 1-based): chr6:112,136,200, A>C on the plus strand (T>G on the coding strand, the complement: LAMA4 is on the minus strand). VCF-style: chr6-112136200-A-C. GRCh37 (hg19) VCF-style: chr6-112457402-A-C.
Other names: c.3316T>G (NM_002290.3); c.3316T>G, p.Phe1106Val (NM_001105207.3, NM_002290.5); short protein forms F1106V, F1113V.
Identifiers: ClinVar variation 1056198 (VCV001056198.10), dbSNP rs1187379113, ClinGen allele CA365377580.
Genomic context (GRCh38, chr6:112,136,200, plus strand): 5'-CATTAATTTGAGCTTTCTTTAACGTATCTTCAAGATGCACAGGGCCACCGCTGAATCCAA[A>C]ATCATAGAACACATGTAGGTAACCATTGCGCATTTCCAGTCTGAAAAACATACTCTGAGG-3'
Protein context (NP_001098676.2, residues 1103-1123): RNGYLHVFYD[Phe1113Val]GFSGGPVHLE